The following is an entry in ClinVar:

ClinVar aggregate classification (germline): Pathogenic/Likely pathogenic. Review status: criteria provided, multiple submitters, no conflicts (2 of 4 stars). 3 submissions from 3 submitters: Pathogenic (1); Likely pathogenic (1). 1 of the submissions does not count toward it. Last evaluated 2025-12-29.

Conditions:
Sucrase-isomaltase deficiency (CSID). Also called: Deficiency of isomaltase; Congenital sucrose isomaltose malabsorption; Sucrose isomaltose enzyme deficiency; SI DEFICIENCY. Identifiers: Orphanet 35122, MedGen C1283620, MONDO:0009114, OMIM 222900.

Submissions (3):

Labcorp Genetics (formerly Invitae), Labcorp
Classification: Pathogenic. Last evaluated: 2025-12-29. Review status: criteria provided, single submitter. Criteria: Invitae Variant Classification Sherloc (09022015). Collection method: clinical testing. Allele origin: germline.
Comment: This sequence change creates a premature translational stop signal (p.Asp885Valfs*14) in the SI gene. It is expected to result in an absent or disrupted protein product. Loss-of-function variants in SI are known to be pathogenic (PMID: 16329100, 23103650, 25452324). This variant is not present in population databases (gnomAD no frequency). This variant has not been reported in the literature in individuals affected with SI-related conditions. For these reasons, this variant has been classified as Pathogenic.

Fulgent Genetics
Classification: Likely pathogenic for Sucrase-isomaltase deficiency. Last evaluated: 2022-05-24. Review status: criteria provided, single submitter. Criteria: ACMG Guidelines, 2015. Collection method: clinical testing. Allele origin: unknown.

Gharavi Laboratory, Columbia University
Classification: Uncertain significance. Last evaluated: 2018-09-16. Review status: no assertion criteria provided. Criteria: ACMG Guidelines, 2015. Collection method: research. Allele origin: germline. Affected: yes. Not counted in ClinVar's aggregate classification.

Literature cited by the submitters: PubMed 16329100 (cited by Labcorp Genetics (formerly Invitae), Labcorp); PubMed 23103650 (cited by Labcorp Genetics (formerly Invitae), Labcorp); PubMed 25452324 (cited by Labcorp Genetics (formerly Invitae), Labcorp).

NM_001041.4(SI):c.2654_2657del (p.Asp885fs)

Gene: SI (sucrase-isomaltase; minus strand). Cytogenetic location: 3q26.1.
Variant type: Microsatellite.
Coding change: c.2654_2657del on transcript NM_001041.4 (MANE Select); coding-DNA positions 2654 to 2657, 4 bases deleted (ACAG; older notation c.2654_2657delACAG).
Protein change: p.Asp885fs; shifts the reading frame from aspartic acid 885.
Molecular consequence: frameshift variant.
Genome position (GRCh38, 1-based): chr3:165,032,601-165,032,604, CTGT deleted on the plus strand (ACAG on the coding strand, the reverse complement: SI is on the minus strand); deleting any 4 consecutive bases within chr3:165,032,601-165,032,609 gives the same sequence; the c. name uses the placement nearest the transcript's 3' end. VCF-style (leftmost placement, unchanged base first): chr3-165032600-ACTGT-A. GRCh37 (hg19) VCF-style: chr3-164750388-ACTGT-A.
Other names: short protein forms D885fs.
Identifiers: ClinVar variation 591922 (VCV000591922.7), dbSNP rs1221816681, ClinGen allele CA891862828.
Genomic context (GRCh38, chr3:165,032,600, plus strand): 5'-AGTGAAATTGGAATGAGCGTTCATTGGTTGATTATTTTCCGCCACTCTAACTTCTGTAAC[ACTGT>A]CTGTCAACCCAAGGATTTTTACAGTCTGAAATGCTAAGGTAGTTCCTTCCTGATATGATG-3'